The following is an entry in ClinVar:

NM_001267550.2(TTN):c.28577C>T (p.Ala9526Val)

Gene: TTN (titin; minus strand). Cytogenetic location: 2q31.2.
Variant type: single nucleotide variant.
Coding change: c.28577C>T on transcript NM_001267550.2 (MANE Select); coding-DNA position 28577, C replaced by T.
Protein change: p.Ala9526Val; replaces alanine 9526 with valine.
Molecular consequence: missense variant. On other transcripts: intron variant (3).
Genome position (GRCh38, 1-based): chr2:178,709,742, G>A on the plus strand (C>T on the coding strand, the complement: TTN is on the minus strand). VCF-style: chr2-178709742-G-A. GRCh37 (hg19) VCF-style: chr2-179574469-G-A.
Other names: p.A9209V:GCC>GTC; c.27626C>T, p.Ala9209Val (NM_001256850.1); c.24845C>T, p.Ala8282Val (NM_133378.4); c.13282+28340C>T (NM_003319.4); c.13858+28340C>T (NM_133437.4); c.13657+28340C>T (NM_133432.3); short protein forms A9209V, A9526V, A8282V.
Identifiers: ClinVar variation 203357 (VCV000203357.2), dbSNP rs794729636, ClinGen allele CA312139.

ClinVar aggregate classification (germline): Uncertain significance (1 of 4 stars; one submission).

Submission:

GeneDx
Classification: Uncertain significance. Last evaluated: 2014-11-03. Review status: criteria provided, single submitter. Criteria: GeneDx Variant Classification (06012015). Collection method: clinical testing. Allele origin: germline. Affected: yes.
Comment: Missense variants in the TTN gene are considered 'unclassified' if they are not previously reported in the literature and do not have >1% frequency in the population to be considered a polymorphism. Research indicates that truncating mutations in the TTN gene are expected to account for approximately 25% of familial and 18% of sporadic idiopathic DCM; however, truncating variants in the TTN gene have been reported in approximately 3% of reported control alleles. There has been little investigation into non-truncating variants. (Herman D et al. Truncations of titin causing dilated cardiomyopathy. N Eng J Med 366:619-628, 2012) The variant is found in CARDIOMYOPATHY panel(s).